The following is an entry in ClinVar:

NM_177402.5(SYT2):c.1167C>T (p.Ser389=)

Gene: SYT2 (synaptotagmin 2; minus strand). Cytogenetic location: 1q32.1.
Variant type: single nucleotide variant.
Coding change: c.1167C>T on transcript NM_177402.5 (MANE Select); coding-DNA position 1167, C replaced by T.
Protein change: p.Ser389=; no amino-acid change (serine 389 retained).
Molecular consequence: synonymous variant.
Genome position (GRCh38, 1-based): chr1:202,596,850, G>A on the plus strand (C>T on the coding strand, the complement: SYT2 is on the minus strand). VCF-style: chr1-202596850-G-A. GRCh37 (hg19) VCF-style: chr1-202565978-G-A.
Other names: c.1167C>T, p.Ser389= (NM_001136504.1).
Identifiers: ClinVar variation 1584039 (VCV001584039.17), dbSNP rs373155359, ClinGen allele CA1333599.
Genomic context (GRCh38, chr1:202,596,850, plus strand): 5'-CTCCTCAGGCTTGAGCGAGTGCCACTGGGCGATGGGCCTCCGGGGGTTGGCCAGCATGTC[G>A]GACCAGTGCCGCAGCTCTGTGCCCGTGGCATTGCTGCCCACGAAGATCTTGCCTATGGCT-3'
Protein context (NP_796376.2, residues 379-399): NATGTELRHW[Ser389=]DMLANPRRPI

ClinVar aggregate classification (germline): Likely benign. Review status: criteria provided, multiple submitters, no conflicts (2 of 4 stars). 3 submissions from 3 submitters: Likely benign (3). Last evaluated 2025-12-29.

Allele frequency attached by ClinVar (database versions not stated): gnomAD exomes 0.00004 and 0.00006; ExAC 0.00005; gnomAD 0.00005 and 0.00006; TOPMed 0.00005; ESP Exome Variant Server 0.00008.

Submissions (3):

Labcorp Genetics (formerly Invitae), Labcorp
Classification: Likely benign. Last evaluated: 2025-12-29. Review status: criteria provided, single submitter. Criteria: Invitae Variant Classification Sherloc (09022015). Collection method: clinical testing. Allele origin: germline.

CeGaT Center for Human Genetics Tuebingen
Classification: Likely benign. Last evaluated: 2025-07-01. Review status: criteria provided, single submitter. Criteria: CeGaT Center For Human Genetics Tuebingen Variant Classification Criteria Version 2. Collection method: clinical testing. Allele origin: germline. Affected: yes. Observed: 1 variant allele.
Comment: SYT2: BP4, BP7

Blueprint Genetics
Classification: Likely benign. Last evaluated: 2024-01-31. Review status: criteria provided, single submitter. Criteria: ACMG Guidelines, 2015. Collection method: clinical testing. Allele origin: germline.